The following is an entry in ClinVar:

NM_001289104.2(PRKCSH):c.935C>G (p.Thr312Arg)

Gene: PRKCSH (PRKCSH beta subunit of glucosidase II; plus strand). Cytogenetic location: 19p13.2.
Variant type: single nucleotide variant.
Coding change: c.935C>G on transcript NM_001289104.2 (MANE Select); coding-DNA position 935, C replaced by G.
Protein change: p.Thr312Arg; replaces threonine 312 with arginine.
Molecular consequence: missense variant.
Genome position (GRCh38, 1-based): chr19:11,447,524, C>G. VCF-style: chr19-11447524-C-G. GRCh37 (hg19) VCF-style: chr19-11558339-C-G.
Other names: c.935C>G, p.Thr312Arg (NM_001001329.3, NM_001289102.2, NM_001289103.2 and 3 more transcripts); c.935C>G (NM_002743.2); short protein forms T312R.
Identifiers: ClinVar variation 2159185 (VCV002159185.8), dbSNP rs531636923, ClinGen allele CA9213076.

ClinVar aggregate classification (germline): Conflicting classifications of pathogenicity. Review status: criteria provided, conflicting classifications (1 of 4 stars). 4 submissions from 4 submitters: Uncertain significance (1); Likely benign (3). Last evaluated 2026-04-01.

Conditions:
Inborn genetic diseases. Identifiers: MedGen C0950123, MeSH D030342.

Allele frequency attached by ClinVar (database versions not stated): gnomAD exomes 0.00004; gnomAD 0.00007; TOPMed 0.00012; ExAC 0.00013; 1000 Genomes Project 0.00020.
gnomAD v4.1: 61 of 1,593,290 alleles (0.0038%); highest among the groups gnomAD compares: Admixed American, 0.1%; no homozygotes.

Submissions (4):

CeGaT Center for Human Genetics Tuebingen
Classification: Likely benign. Last evaluated: 2026-04-01. Review status: criteria provided, single submitter. Criteria: CeGaT Center For Human Genetics Tuebingen Variant Classification Criteria Version 2. Collection method: clinical testing. Allele origin: germline. Affected: yes. Observed: 1 variant allele.
Comment: PRKCSH: BP4

Labcorp Genetics (formerly Invitae), Labcorp
Classification: Likely benign. Last evaluated: 2025-12-15. Review status: criteria provided, single submitter. Criteria: Invitae Variant Classification Sherloc (09022015). Collection method: clinical testing. Allele origin: germline.

Ambry Genetics
Classification: Uncertain significance for Inborn genetic diseases. Last evaluated: 2022-01-03. Review status: criteria provided, single submitter. Criteria: Ambry Variant Classification Scheme 2023. Collection method: clinical testing. Allele origin: germline.

Blueprint Genetics
Classification: Likely benign. Last evaluated: 2021-02-02. Review status: criteria provided, single submitter. Criteria: ACMG Guidelines, 2015. Collection method: clinical testing. Allele origin: germline.